The following is an entry in ClinVar:

NM_001386140.1(MTTP):c.1595G>A (p.Arg532His)

Gene: MTTP (microsomal triglyceride transfer protein; plus strand). Cytogenetic location: 4q23.
Variant type: single nucleotide variant.
Coding change: c.1595G>A on transcript NM_001386140.1 (MANE Select); coding-DNA position 1595, G replaced by A.
Protein change: p.Arg532His; replaces arginine 532 with histidine.
Molecular consequence: missense variant.
Genome position (GRCh38, 1-based): chr4:99,608,803, G>A. VCF-style: chr4-99608803-G-A. GRCh37 (hg19) VCF-style: chr4-100529960-G-A.
Other names: c.1595G>A, p.Arg532His (NM_000253.4); c.1346G>A, p.Arg449His (NM_001300785.2); short protein forms R449H, R532H.
Identifiers: ClinVar variation 2201911 (VCV002201911.1), dbSNP rs41275711, ClinGen allele CA3022140.

ClinVar aggregate classification (germline): Uncertain significance (1 of 4 stars; one submission).

Allele frequency attached by ClinVar (database versions not stated): ExAC 0.00001; gnomAD 0.00002; gnomAD exomes 0.00002; TOPMed 0.00002; 1000 Genomes Project 30x 0.00016.
gnomAD v4.1: 34 of 1,614,048 alleles (0.0021%); highest among the groups gnomAD compares: Middle Eastern, 0.016%; no homozygotes.

Submission:

Labcorp Genetics (formerly Invitae), Labcorp
Classification: Uncertain significance. Last evaluated: 2022-05-12. Review status: criteria provided, single submitter. Criteria: Invitae Variant Classification Sherloc (09022015). Collection method: clinical testing. Allele origin: germline.
Comment: This sequence change replaces arginine, which is basic and polar, with histidine, which is basic and polar, at codon 532 of the MTTP protein (p.Arg532His). This variant is present in population databases (rs41275711, gnomAD 0.006%). This variant has not been reported in the literature in individuals affected with MTTP-related conditions. Algorithms developed to predict the effect of missense changes on protein structure and function output the following: SIFT: "Tolerated"; PolyPhen-2: "Benign"; Align-GVGD: "Class C0". The histidine amino acid residue is found in multiple mammalian species, which suggests that this missense change does not adversely affect protein function. In summary, the available evidence is currently insufficient to determine the role of this variant in disease. Therefore, it has been classified as a Variant of Uncertain Significance.